The following is an entry in ClinVar:

NM_000368.5(TSC1):c.2235G>T (p.Lys745Asn)

Gene: TSC1 (TSC complex subunit 1; minus strand). Cytogenetic location: 9q34.13.
Variant type: single nucleotide variant.
Coding change: c.2235G>T on transcript NM_000368.5 (MANE Select); coding-DNA position 2235, G replaced by T.
Protein change: p.Lys745Asn; replaces lysine 745 with asparagine.
Molecular consequence: missense variant.
Genome position (GRCh38, 1-based): chr9:132,902,761, C>A on the plus strand (G>T on the coding strand, the complement: TSC1 is on the minus strand). VCF-style: chr9-132902761-C-A. GRCh37 (hg19) VCF-style: chr9-135778148-C-A.
Other names: c.2232G>T, p.Lys744Asn (NM_001162426.2); c.2082G>T, p.Lys694Asn (NM_001162427.2); c.1872G>T, p.Lys624Asn (NM_001362177.2); short protein forms K624N, K694N, K744N, K745N.
Identifiers: ClinVar variation 957877 (VCV000957877.11), dbSNP rs753265422, ClinGen allele CA375359994.

ClinVar aggregate classification (germline): Conflicting classifications of pathogenicity. Review status: criteria provided, conflicting classifications (1 of 4 stars). 3 submissions from 3 submitters: Uncertain significance (2); Likely benign (1). Last evaluated 2026-07-07.

Conditions:
Tuberous sclerosis syndrome (TSC). Also called: Tuberous Sclerosis Complex; Tuberous sclerosis. Identifiers: Orphanet 805, MedGen C0041341, MONDO:0001734.
Tuberous sclerosis 1 (TSC1). Identifiers: Orphanet 805, MedGen C1854465, MONDO:0008612, OMIM 191100.
Hereditary cancer-predisposing syndrome. Also called: Neoplastic Syndromes, Hereditary; Hereditary Cancer Syndrome; Tumor predisposition; Hereditary neoplastic syndrome. Identifiers: Orphanet 140162, MedGen C0027672, MeSH D009386, MONDO:0015356.

Submissions (3):

Ambry Genetics
Classification: Likely benign for Hereditary cancer-predisposing syndrome. Last evaluated: 2026-07-07. Review status: criteria provided, single submitter. Criteria: Ambry Variant Classification Scheme 2023. Collection method: clinical testing. Allele origin: germline.

Labcorp Genetics (formerly Invitae), Labcorp
Classification: Uncertain significance for Tuberous sclerosis 1. Last evaluated: 2025-10-07. Review status: criteria provided, single submitter. Criteria: Invitae Variant Classification Sherloc (09022015). Collection method: clinical testing. Allele origin: germline.
Comment: This sequence change replaces lysine, which is basic and polar, with asparagine, which is neutral and polar, at codon 745 of the TSC1 protein (p.Lys745Asn). This variant is not present in population databases (gnomAD no frequency). This variant has not been reported in the literature in individuals affected with TSC1-related conditions. ClinVar contains an entry for this variant (Variation ID: 957877). Invitae Evidence Modeling of protein sequence and biophysical properties (such as structural, functional, and spatial information, amino acid conservation, physicochemical variation, residue mobility, and thermodynamic stability) indicates that this missense variant is not expected to disrupt TSC1 protein function with a negative predictive value of 95%. In summary, the available evidence is currently insufficient to determine the role of this variant in disease. Therefore, it has been classified as a Variant of Uncertain Significance.

Color Diagnostics, LLC DBA Color Health
Classification: Uncertain significance for Tuberous sclerosis syndrome. Last evaluated: 2025-07-28. Review status: criteria provided, single submitter. Criteria: ACMG Guidelines, 2015. Collection method: clinical testing. Allele origin: germline.
Comment: This missense variant replaces lysine with asparagine at codon 745 of the TSC1 protein. Computational prediction suggests that this variant may not impact protein structure and function. To our knowledge, functional studies have not been reported for this variant. This variant has not been reported in individuals affected with TSC1-related disorders in the literature. This variant has not been identified in the general population by the Genome Aggregation Database (gnomAD). The available evidence is insufficient to determine the role of this variant in disease conclusively. Therefore, this variant is classified as a Variant of Uncertain Significance.